The following is an entry in ClinVar:

NM_001146.5(ANGPT1):c.310A>G (p.Ile104Val)

Gene: ANGPT1 (angiopoietin 1; minus strand). Cytogenetic location: 8q23.1.
Variant type: single nucleotide variant.
Coding change: c.310A>G on transcript NM_001146.5 (MANE Select); coding-DNA position 310, A replaced by G.
Protein change: p.Ile104Val; replaces isoleucine 104 with valine.
Molecular consequence: missense variant.
Genome position (GRCh38, 1-based): chr8:107,347,085, T>C on the plus strand (A>G on the coding strand, the complement: ANGPT1 is on the minus strand). VCF-style: chr8-107347085-T-C. GRCh37 (hg19) VCF-style: chr8-108359313-T-C.
Other names: c.310A>G, p.Ile104Val (NM_001199859.3); short protein forms I104V.
Identifiers: ClinVar variation 2969484 (VCV002969484.3), dbSNP rs1469711828, ClinGen allele CA372035029.

ClinVar aggregate classification (germline): Uncertain significance (1 of 4 stars; one submission).

Allele frequency attached by ClinVar (database versions not stated): gnomAD exomes below 0.00001; gnomAD 0.00004; TOPMed 0.00003.
gnomAD v4.1: 7 of 1,612,900 alleles (0.00043%); highest among the groups gnomAD compares: African/African-American, 0.008%; no homozygotes.

Submission:

Labcorp Genetics (formerly Invitae), Labcorp
Classification: Uncertain significance. Last evaluated: 2025-12-03. Review status: criteria provided, single submitter. Criteria: Invitae Variant Classification Sherloc (09022015). Collection method: clinical testing. Allele origin: germline.
Comment: This sequence change replaces isoleucine, which is neutral and non-polar, with valine, which is neutral and non-polar, at codon 104 of the ANGPT1 protein (p.Ile104Val). This variant is present in population databases (no rsID available, gnomAD 0.02%). This variant has not been reported in the literature in individuals affected with ANGPT1-related conditions. ClinVar contains an entry for this variant (Variation ID: 2969484). An algorithm developed to predict the effect of missense changes on protein structure and function outputs the following: PolyPhen-2: "Benign". The valine amino acid residue is found in multiple mammalian species, which suggests that this missense change does not adversely affect protein function. In summary, the available evidence is currently insufficient to determine the role of this variant in disease. Therefore, it has been classified as a Variant of Uncertain Significance.